The following is an entry in ClinVar:

NM_001329943.3(KIAA0586):c.1651A>G (p.Ile551Val)

Gene: KIAA0586 (KIAA0586; plus strand). Cytogenetic location: 14q23.1.
Variant type: single nucleotide variant.
Coding change: c.1651A>G on transcript NM_001329943.3 (MANE Select); coding-DNA position 1651, A replaced by G.
Protein change: p.Ile551Val; replaces isoleucine 551 with valine.
Molecular consequence: missense variant.
Genome position (GRCh38, 1-based): chr14:58,458,540, A>G. VCF-style: chr14-58458540-A-G. GRCh37 (hg19) VCF-style: chr14-58925258-A-G.
Other names: c.1810A>G, p.Ile604Val (NM_001244189.2); c.1606A>G, p.Ile536Val (NM_001244190.2); c.1396A>G, p.Ile466Val (NM_001244191.2, NM_001329945.2, NM_001364700.1 and 1 more transcripts); c.1519A>G, p.Ile507Val (NM_001244192.2); c.1231A>G, p.Ile411Val (NM_001244193.2); c.1651A>G, p.Ile551Val (NM_001329944.2, NM_001329946.2, NM_001329947.2 and 1 more transcripts); short protein forms I411V, I507V, I536V, I551V, I466V, I604V.
Identifiers: ClinVar variation 1968016 (VCV001968016.5), dbSNP rs2543107900, ClinGen allele CA389869500.
Genomic context (GRCh38, chr14:58,458,540, plus strand): 5'-TCAGAGAAAATTAGGATCAGAAAGACAGTGGATGAATGGATTAAAACTATTTCTGCAGAA[A>G]TTCAGGTATGTCTTGGAAAAAAACTGAAAATTAAGTGAATTCTCAGAAGATAATATTGAT-3'
Protein context (NP_001316872.1, residues 541-561): DEWIKTISAE[Ile551Val]QDELSRTDYE

ClinVar aggregate classification (germline): Uncertain significance (1 of 4 stars; one submission).

Conditions:
Joubert syndrome 23 (JBTS23). Identifiers: Orphanet 475, MedGen C4084822, MONDO:0014664, OMIM 616490.
Short-rib thoracic dysplasia 14 with polydactyly (SRTD14). Identifiers: Orphanet 397715, MedGen C4225286, MONDO:0014688, OMIM 616546.

Submission:

Labcorp Genetics (formerly Invitae), Labcorp
Classification: Uncertain significance for Joubert syndrome 23; Short-rib thoracic dysplasia 14 with polydactyly. Last evaluated: 2022-04-11. Review status: criteria provided, single submitter. Criteria: Invitae Variant Classification Sherloc (09022015). Collection method: clinical testing. Allele origin: germline.
Comment: Algorithms developed to predict the effect of missense changes on protein structure and function are either unavailable or do not agree on the potential impact of this missense change (SIFT: "Deleterious"; PolyPhen-2: "Probably Damaging"; Align-GVGD: "Class C0"). This sequence change replaces isoleucine, which is neutral and non-polar, with valine, which is neutral and non-polar, at codon 604 of the KIAA0586 protein (p.Ile604Val). This variant is not present in population databases (gnomAD no frequency). This variant has not been reported in the literature in individuals affected with KIAA0586-related conditions. In summary, the available evidence is currently insufficient to determine the role of this variant in disease. Therefore, it has been classified as a Variant of Uncertain Significance.